The following is an entry in ClinVar:

ClinVar aggregate classification (germline): Conflicting classifications of pathogenicity. Review status: criteria provided, conflicting classifications (1 of 4 stars). 4 submissions from 4 submitters: Uncertain significance (3); Likely benign (1). Last evaluated 2025-05-17.

Conditions:
Colorectal cancer, non-polyposis.
Colorectal cancer, hereditary nonpolyposis, type 7. Identifiers: Orphanet 144, MedGen C1858380, MONDO:0013725, OMIM 614385.

Allele frequency attached by ClinVar (database versions not stated): ExAC 0.00002; gnomAD exomes 0.00003; TOPMed 0.00003; ESP Exome Variant Server 0.00008.
gnomAD v4.1: 43 of 1,613,946 alleles (0.0027%); highest among the groups gnomAD compares: African/African-American, 0.0053%; no homozygotes.

Submissions (4):

Labcorp Genetics (formerly Invitae), Labcorp
Classification: Uncertain significance for Colorectal cancer, hereditary nonpolyposis, type 7. Last evaluated: 2025-05-17. Review status: criteria provided, single submitter. Criteria: Invitae Variant Classification Sherloc (09022015). Collection method: clinical testing. Allele origin: germline.
Comment: This sequence change replaces glycine, which is neutral and non-polar, with serine, which is neutral and polar, at codon 981 of the MLH3 protein (p.Gly981Ser). This variant is present in population databases (rs377337763, gnomAD 0.007%). This missense change has been observed in individual(s) with clinical features of Lynch syndrome (PMID: 11586295). ClinVar contains an entry for this variant (Variation ID: 161298). An algorithm developed to predict the effect of missense changes on protein structure and function outputs the following: PolyPhen-2: "Benign". The serine amino acid residue is found in multiple mammalian species, which suggests that this missense change does not adversely affect protein function. Experimental studies have shown that this missense change does not substantially affect MLH3 function (PMID: 19156873). In summary, the available evidence is currently insufficient to determine the role of this variant in disease. Therefore, it has been classified as a Variant of Uncertain Significance.

Center for Genomic Medicine, Rigshospitalet, Copenhagen University Hospital
Classification: Uncertain significance. Last evaluated: 2025-03-04. Review status: criteria provided, single submitter. Criteria: ACMG Guidelines, 2015. Collection method: clinical testing. Allele origin: germline.

Ambry Genetics
Classification: Likely benign. Last evaluated: 2021-02-25. Review status: criteria provided, single submitter. Criteria: Ambry Variant Classification Scheme 2023. Collection method: clinical testing. Allele origin: germline.

CSER _CC_NCGL, University of Washington
Classification: Uncertain significance for Colorectal cancer, non-polyposis. Last evaluated: 2014-06-01. Review status: criteria provided, single submitter. Criteria: Amendola et al. (Genome Res. 2015). Collection method: research. Allele origin: germline. Inheritance: Autosomal dominant inheritance. Study: ESP 6500 variant annotation.
Comment: Low GERP score may suggest that this variant may belong in a lower pathogenicity class

Variants classified for the Actionable exomic incidental findings in 6503 participants: challenges of variant classification manuscript

Literature cited by the submitters: PubMed 11586295 (cited by Labcorp Genetics (formerly Invitae), Labcorp); PubMed 19156873 (cited by Labcorp Genetics (formerly Invitae), Labcorp).

NM_001040108.2(MLH3):c.2941G>A (p.Gly981Ser)

Gene: MLH3 (mutL homolog 3; minus strand). Cytogenetic location: 14q24.3.
Variant type: single nucleotide variant.
Coding change: c.2941G>A on transcript NM_001040108.2 (MANE Select); coding-DNA position 2941, G replaced by A.
Protein change: p.Gly981Ser; replaces glycine 981 with serine.
Molecular consequence: missense variant.
Genome position (GRCh38, 1-based): chr14:75,046,715, C>T on the plus strand (G>A on the coding strand, the complement: MLH3 is on the minus strand). VCF-style: chr14-75046715-C-T. GRCh37 (hg19) VCF-style: chr14-75513418-C-T.
Other names: c.2941G>A, p.Gly981Ser (NM_014381.3); short protein forms G981S.
Identifiers: ClinVar variation 161298 (VCV000161298.15), dbSNP rs377337763, ClinGen allele CA211660.